The following is an entry in ClinVar:

NM_024422.6(DSC2):c.829C>T (p.His277Tyr)

Gene: DSC2 (desmocollin 2; minus strand). Cytogenetic location: 18q12.1.
Variant type: single nucleotide variant.
Coding change: c.829C>T on transcript NM_024422.6 (MANE Select); coding-DNA position 829, C replaced by T.
Protein change: p.His277Tyr; replaces histidine 277 with tyrosine.
Molecular consequence: missense variant.
Genome position (GRCh38, 1-based): chr18:31,086,689, G>A on the plus strand (C>T on the coding strand, the complement: DSC2 is on the minus strand). VCF-style: chr18-31086689-G-A. GRCh37 (hg19) VCF-style: chr18-28666652-G-A.
Other names: c.400C>T, p.His134Tyr (NM_001406506.1, NM_001406507.1); c.829C>T, p.His277Tyr (NM_004949.5); short protein forms H134Y, H277Y.
Identifiers: ClinVar variation 3070780 (VCV003070780.3), dbSNP rs1987411669, ClinGen allele CA402112208.

ClinVar aggregate classification (germline): Uncertain significance. Review status: criteria provided, multiple submitters, no conflicts (2 of 4 stars). 2 submissions from 2 submitters: Uncertain significance (2). Last evaluated 2024-08-31.

Conditions:
Arrhythmogenic right ventricular dysplasia 11. Also called: ARRHYTHMOGENIC RIGHT VENTRICULAR DYSPLASIA, FAMILIAL, 11; Arrhythmogenic Right Ventricular Dysplasia/Cardiomyopathy11; Arrhythmogenic right ventricular dysplasia 11 with mild palmoplantar keratoderma and woolly hair. Identifiers: MedGen C1864850, MONDO:0012506, OMIM 610476.
Familial isolated arrhythmogenic right ventricular dysplasia. Identifiers: Orphanet 217656, MedGen C4274968, MONDO:0016342.

Allele frequency attached by ClinVar (database versions not stated): TOPMed below 0.00001.

Submissions (2):

Labcorp Genetics (formerly Invitae), Labcorp
Classification: Uncertain significance for Arrhythmogenic right ventricular dysplasia 11. Last evaluated: 2024-08-31. Review status: criteria provided, single submitter. Criteria: Invitae Variant Classification Sherloc (09022015). Collection method: clinical testing. Allele origin: germline.
Comment: This sequence change replaces histidine, which is basic and polar, with tyrosine, which is neutral and polar, at codon 277 of the DSC2 protein (p.His277Tyr). This variant is not present in population databases (gnomAD no frequency). This variant has not been reported in the literature in individuals affected with DSC2-related conditions. Invitae Evidence Modeling of protein sequence and biophysical properties (such as structural, functional, and spatial information, amino acid conservation, physicochemical variation, residue mobility, and thermodynamic stability) indicates that this missense variant is expected to disrupt DSC2 protein function with a positive predictive value of 80%. In summary, the available evidence is currently insufficient to determine the role of this variant in disease. Therefore, it has been classified as a Variant of Uncertain Significance.

All of Us Research Program, National Institutes of Health
Classification: Uncertain significance for Familial isolated arrhythmogenic right ventricular dysplasia. Last evaluated: 2023-05-04. Review status: criteria provided, single submitter. Criteria: ACMG Guidelines, 2015. Collection method: clinical testing. Allele origin: germline. Inheritance: Autosomal dominant inheritance. Observed: 1 variant allele, 1 heterozygote.
Comment: This missense variant replaces histidine with tyrosine at codon 277 of the DSC2 protein. Computational prediction suggests that this variant may not impact protein structure and function (internally defined REVEL score threshold <= 0.5, PMID: 27666373). To our knowledge, functional studies have not been reported for this variant. This variant has not been reported in individuals affected with DSC2-related disorders in the literature. This variant has not been identified in the general population by the Genome Aggregation Database (gnomAD). The available evidence is insufficient to determine the role of this variant in disease conclusively. Therefore, this variant is classified as a Variant of Uncertain Significance.

This study involves interpretation of variants in research participants for the purpose of population health screening. Participant phenotype was not available at the time of variant classification. Additional details can be found in publication PMID: 35346344, PMCID: PMC8962531